The following is an entry in ClinVar:

ClinVar aggregate classification (germline): Uncertain significance. Review status: criteria provided, multiple submitters, no conflicts (2 of 4 stars). 2 submissions from 2 submitters: Uncertain significance (2). Last evaluated 2024-10-02.

Submissions (2):

GeneDx
Classification: Uncertain significance. Last evaluated: 2024-10-02. Review status: criteria provided, single submitter. Criteria: GeneDx Variant Classification Process June 2021. Collection method: clinical testing. Allele origin: germline. Affected: yes.
Comment: In-frame deletion of 1 amino acid(s) in a non-repeat region; Not observed at significant frequency in large population cohorts (gnomAD); In silico analysis supports a deleterious effect on protein structure/function; In silico analysis suggests this variant may impact gene splicing. In the absence of RNA/functional studies, the actual effect of this sequence change is unknown; Has not been previously published as pathogenic or benign to our knowledge

Blueprint Genetics
Classification: Uncertain significance. Last evaluated: 2023-01-11. Review status: criteria provided, single submitter. Criteria: ACMG Guidelines, 2015. Collection method: clinical testing. Allele origin: germline.

NM_001458.5(FLNC):c.6023AGG[1] (p.Glu2009del)

Genes: FLNC (filamin C; plus strand), FLNC-AS1 (FLNC antisense RNA 1; minus strand). Cytogenetic location: 7q32.1.
Variant type: Microsatellite.
Coding change: c.6023AGG[1] on transcript NM_001458.5 (MANE Select); one copy of the 3-base unit AGG starting at c.6023; the reference has two copies in a row; one copy, 3 bases deleted; also written c.6026_6028del.
Protein change: p.Glu2009del; deletes glutamic acid 2009.
Molecular consequence: inframe deletion. On other transcripts: inframe indel (2).
Genome position (GRCh38, 1-based): chr7:128,852,849-128,852,851, AGG deleted; deleting any 3 consecutive bases within chr7:128,852,846-128,852,851 gives the same sequence; the position shown is the placement nearest the transcript's 3' end. VCF-style (leftmost placement, unchanged base first): chr7-128852845-AAGG-A. GRCh37 (hg19) VCF-style: chr7-128492899-AAGG-A.
Other names: c.5924AGG[1], p.Glu1976del (NM_001127487.2); c.6023_6025AGG[1], p.Glu2009del (NM_001458.4); c.6026_6028del (NM_001458.4); short protein forms E1976del, E2009del.
Identifiers: ClinVar variation 3776535 (VCV003776535.2).
Genomic context (GRCh38, chr7:128,852,845, plus strand): 5'-TGGGGGCCCACAGGATGCTCTGCCTAACACCCACTTTCCACAGGGATCTCCTTCACCCCC[AAGG>A]AGGTCGGGGAGCACGTGGTGAGCGTGCGCAAGAGTGGCAAGCATGTCACCAACAGCCCCT-3'